The following is an entry in ClinVar:

NM_001276345.2(TNNT2):c.324C>A (p.Asp108Glu)

Gene: TNNT2 (troponin T2, cardiac type; minus strand). Cytogenetic location: 1q32.1.
Variant type: single nucleotide variant.
Coding change: c.324C>A on transcript NM_001276345.2 (MANE Select); coding-DNA position 324, C replaced by A.
Protein change: p.Asp108Glu; replaces aspartic acid 108 with glutamic acid.
Molecular consequence: missense variant. On other transcripts: intron variant (1).
Genome position (GRCh38, 1-based): chr1:201,365,278, G>T on the plus strand (C>A on the coding strand, the complement: TNNT2 is on the minus strand). VCF-style: chr1-201365278-G-T. GRCh37 (hg19) VCF-style: chr1-201334406-G-T.
Other names: c.324C>A, p.Asp108Glu (NM_000364.4); c.294C>A, p.Asp98Glu (NM_001001430.3, NM_001001431.3, NM_001276347.2); c.279C>A, p.Asp93Glu (NM_001001432.3); c.291+332C>A (NM_001276346.2); c.294C>A (NM_001001430.1); short protein forms D98E, D108E, D93E.
Identifiers: ClinVar variation 537257 (VCV000537257.10), dbSNP rs1553282545, ClinGen allele CA344206498.

ClinVar aggregate classification (germline): Conflicting classifications of pathogenicity. Review status: criteria provided, conflicting classifications (1 of 4 stars). 3 submissions from 3 submitters: Likely pathogenic (1); Uncertain significance (1). 1 of the submissions does not count toward it. Last evaluated 2024-02-16.

Conditions:
Cardiovascular phenotype. Identifiers: MedGen CN230736.
Hypertrophic cardiomyopathy 2. Also called: TNNT2-Related Familial Hypertrophic Cardiomyopathy. Identifiers: MedGen C1861864, MONDO:0007266, OMIM 115195.
Dilated cardiomyopathy 1D. Identifiers: Orphanet 154, Orphanet 54260, MedGen C1832243, MONDO:0011095, OMIM 601494.
Cardiomyopathy, familial restrictive, 3. Identifiers: Orphanet 75249, MedGen C2676271, MONDO:0012900, OMIM 612422.

Submissions (3):

Labcorp Genetics (formerly Invitae), Labcorp
Classification: Likely pathogenic for Cardiomyopathy, familial restrictive, 3; Hypertrophic cardiomyopathy 2; Dilated cardiomyopathy 1D. Last evaluated: 2024-02-16. Review status: criteria provided, single submitter. Criteria: Invitae Variant Classification Sherloc (09022015). Collection method: clinical testing. Allele origin: germline.
Comment: This sequence change replaces aspartic acid, which is acidic and polar, with glutamic acid, which is acidic and polar, at codon 98 of the TNNT2 protein (p.Asp98Glu). This variant is not present in population databases (gnomAD no frequency). This missense change has been observed in individuals with hypertrophic cardiomyopathy (Invitae). ClinVar contains an entry for this variant (Variation ID: 537257). Advanced modeling of protein sequence and biophysical properties (such as structural, functional, and spatial information, amino acid conservation, physicochemical variation, residue mobility, and thermodynamic stability) performed at Invitae indicates that this missense variant is expected to disrupt TNNT2 protein function with a positive predictive value of 95%. In summary, the currently available evidence indicates that the variant is pathogenic, but additional data are needed to prove that conclusively. Therefore, this variant has been classified as Likely Pathogenic.

Ambry Genetics
Classification: Uncertain significance for Cardiovascular phenotype. Last evaluated: 2023-10-12. Review status: criteria provided, single submitter. Criteria: Ambry Variant Classification Scheme 2023. Collection method: clinical testing. Allele origin: germline.
Comment: The p.D98E variant (also known as c.294C>A), located in coding exon 8 of the TNNT2 gene, results from a C to A substitution at nucleotide position 294. The aspartic acid at codon 98 is replaced by glutamic acid, an amino acid with highly similar properties. This amino acid position is highly conserved in available vertebrate species. In addition, this alteration is predicted to be deleterious by in silico analysis. Since supporting evidence is limited at this time, the clinical significance of this alteration remains unclear.

Diagnostics Centre, Carl Von Ossietzky University Oldenburg
Classification: Uncertain significance for Dilated cardiomyopathy 1D. Last evaluated: 2025-07-24. Review status: no assertion criteria provided. Collection method: clinical testing. Allele origin: germline. Affected: yes. Observed: 1 variant allele. Not counted in ClinVar's aggregate classification.
Comment: The variant TNNT2:c.324C>A p.(Asp108Glu), located in the exon 9 of the TNNT2 gene, results from a cytosine-to-adenine substitution at nucleotide position c.324. The asparagine at protein position 108 is replaced by a glutamic acid. The affected position is located in an established hotspot region for pathogenic missense variants within the troponin functional domain of the protein. In silico tools predict a significant deleterious effect in the protein structure/function (REVEL = 0,79). The variant has been classified once as pathogenic and once as variant of uncertain significance in ClinVar (VCV000537257.9). The variant is classified as very rare since it is absent in gnomAD v4.1.0. In summary, the variant is classified as a variant of uncertain significance based on the ClinGen expert panel specifications for TNNT2 variants.